The following is an entry in ClinVar:

NM_000452.3(SLC10A2):c.74A>T (p.Asn25Ile)

Gene: SLC10A2 (solute carrier family 10 member 2; minus strand). Cytogenetic location: 13q33.1.
Variant type: single nucleotide variant.
Coding change: c.74A>T on transcript NM_000452.3 (MANE Select); coding-DNA position 74, A replaced by T.
Protein change: p.Asn25Ile; replaces asparagine 25 with isoleucine.
Molecular consequence: missense variant.
Genome position (GRCh38, 1-based): chr13:103,066,176, T>A on the plus strand (A>T on the coding strand, the complement: SLC10A2 is on the minus strand). VCF-style: chr13-103066176-T-A. GRCh37 (hg19) VCF-style: chr13-103718526-T-A.
Other names: c.74A>T (NM_000452.2); short protein forms N25I.
Identifiers: ClinVar variation 3633323 (VCV003633323.3).

ClinVar aggregate classification (germline): Uncertain significance. Review status: criteria provided, multiple submitters, no conflicts (2 of 4 stars). 2 submissions from 2 submitters: Uncertain significance (2). Last evaluated 2025-11-27.

gnomAD v4.1: 7 of 1,614,114 alleles (0.00043%); highest among the groups gnomAD compares: South Asian, 0.0066%; no homozygotes.

Submissions (2):

Labcorp Genetics (formerly Invitae), Labcorp
Classification: Uncertain significance. Last evaluated: 2025-11-27. Review status: criteria provided, single submitter. Criteria: Invitae Variant Classification Sherloc (09022015). Collection method: clinical testing. Allele origin: germline.
Comment: This sequence change replaces asparagine, which is neutral and polar, with isoleucine, which is neutral and non-polar, at codon 25 of the SLC10A2 protein (p.Asn25Ile). This variant is not present in population databases (gnomAD no frequency). This variant has not been reported in the literature in individuals affected with SLC10A2-related conditions. ClinVar contains an entry for this variant (Variation ID: 3633323). An algorithm developed to predict the effect of missense changes on protein structure and function (PolyPhen-2) suggests that this variant is likely to be disruptive. In summary, the available evidence is currently insufficient to determine the role of this variant in disease. Therefore, it has been classified as a Variant of Uncertain Significance.

Ambry Genetics
Classification: Uncertain significance. Last evaluated: 2025-01-20. Review status: criteria provided, single submitter. Criteria: Ambry Variant Classification Scheme 2023. Collection method: clinical testing. Allele origin: germline.